The following is an entry in ClinVar:

ClinVar aggregate classification (germline): Uncertain significance (1 of 4 stars; one submission).

Conditions:
Hereditary cancer-predisposing syndrome. Also called: Neoplastic Syndromes, Hereditary; Tumor predisposition; Hereditary Cancer Syndrome; Hereditary neoplastic syndrome. Identifiers: Orphanet 140162, MedGen C0027672, MeSH D009386, MONDO:0015356.

Submission:

Ambry Genetics
Classification: Uncertain significance for Hereditary cancer-predisposing syndrome. Last evaluated: 2017-03-09. Review status: criteria provided, single submitter. Criteria: Ambry Variant Classification Scheme 2023. Collection method: clinical testing. Allele origin: germline.
Comment: The p.Q306H variant (also known as c.918G>T), located in coding exon 10 of the RAD51D gene, results from a G to T substitution at nucleotide position 918. The glutamine at codon 306 is replaced by histidine, an amino acid with highly similar properties. This amino acid position is well conserved in available vertebrate species. In addition, this alteration is predicted to be tolerated by in silico analysis. Since supporting evidence is limited at this time, the clinical significance of this alteration remains unclear.

NM_002878.4(RAD51D):c.918G>T (p.Gln306His)

Genes: RAD51D (RAD51 paralog D; minus strand), RAD51L3-RFFL (RAD51L3-RFFL readthrough; minus strand). Cytogenetic location: 17q12.
Variant type: single nucleotide variant.
Coding change: c.918G>T on transcript NM_002878.4 (MANE Select); coding-DNA position 918, G replaced by T.
Protein change: p.Gln306His; replaces glutamine 306 with histidine.
Molecular consequence: missense variant. On other transcripts: non-coding transcript variant (2).
Genome position (GRCh38, 1-based): chr17:35,101,022, C>A on the plus strand (G>T on the coding strand, the complement: RAD51D is on the minus strand). VCF-style: chr17-35101022-C-A. GRCh37 (hg19) VCF-style: chr17-33428041-C-A.
Other names: c.978G>T, p.Gln326His (NM_001142571.2); c.582G>T, p.Gln194His (NM_133629.3); short protein forms Q306H, Q194H, Q326H.
Identifiers: ClinVar variation 482202 (VCV000482202.5), dbSNP rs1555566990, ClinGen allele CA399086164.